The following is an entry in ClinVar:

NM_004815.4(ARHGAP29):c.3070A>G (p.Arg1024Gly)

Gene: ARHGAP29 (Rho GTPase activating protein 29; minus strand). Cytogenetic location: 1p22.1.
Variant type: single nucleotide variant.
Coding change: c.3070A>G on transcript NM_004815.4 (MANE Select); coding-DNA position 3070, A replaced by G.
Protein change: p.Arg1024Gly; replaces arginine 1024 with glycine.
Molecular consequence: missense variant.
Genome position (GRCh38, 1-based): chr1:94,174,585, T>C on the plus strand (A>G on the coding strand, the complement: ARHGAP29 is on the minus strand). VCF-style: chr1-94174585-T-C. GRCh37 (hg19) VCF-style: chr1-94640141-T-C.
Other names: c.3070A>G, p.Arg1024Gly (NM_001328664.2); c.2878A>G, p.Arg960Gly (NM_001328665.2, NM_001328667.2); c.3043A>G, p.Arg1015Gly (NM_001328666.2); short protein forms R1015G, R1024G, R960G.
Identifiers: ClinVar variation 3349075 (VCV003349075.1).

ClinVar aggregate classification (germline): Uncertain significance (0 of 4 stars; one submission).

Conditions:
ARHGAP29-related disorder. Also called: ARHGAP29-related condition; ARHGAP29-Related Disorders.

gnomAD v4.1: 3 of 1,614,092 alleles (0.00019%); highest among the groups gnomAD compares: Admixed American, 0.005%; no homozygotes.

Submission:

PreventionGenetics, part of Exact Sciences
Classification: Uncertain significance for ARHGAP29-related condition. Last evaluated: 2024-05-18. Review status: no assertion criteria provided. Collection method: clinical testing. Allele origin: germline.
Comment: The ARHGAP29 c.3070A>G variant is predicted to result in the amino acid substitution p.Arg1024Gly. To our knowledge, this variant has not been reported in the literature. This variant is reported in 0.0085% of alleles in individuals of Latino descent in gnomAD. At this time, the clinical significance of this variant is uncertain due to the absence of conclusive functional and genetic evidence.